The following is an entry in ClinVar:

NM_007294.4(BRCA1):c.4646_4665del (p.Glu1549fs)

Gene: BRCA1 (BRCA1 DNA repair associated; minus strand). Cytogenetic location: 17q21.31.
Variant type: Deletion.
Coding change: c.4646_4665del on transcript NM_007294.4 (MANE Select); coding-DNA positions 4646 to 4665, 20 bases deleted (AAACATCTTACTTGCCAAGG).
Protein change: p.Glu1549fs; shifts the reading frame from glutamic acid 1549.
Molecular consequence: frameshift variant. On other transcripts: non-coding transcript variant (1).
Genome position (GRCh38, 1-based): chr17:43,074,341-43,074,360, CCTTGGCAAGTAAGATGTTT deleted on the plus strand (AAACATCTTACTTGCCAAGG on the coding strand, the reverse complement: BRCA1 is on the minus strand); deleting any 20 consecutive bases within chr17:43,074,341-43,074,362 gives the same sequence; the c. name uses the placement nearest the transcript's 3' end. VCF-style (leftmost placement, unchanged base first): chr17-43074340-GCCTTGGCAAGTAAGATGTTT-G. GRCh37 (hg19) VCF-style: chr17-41226357-GCCTTGGCAAGTAAGATGTTT-G.
Other names: c.4646_4665delAAACATCTTACTTGCCAAGG (NM_007294.3); c.4641_4660del20, p.Glu1548Alafs (NM_001407618.1, NM_001407619.1, NM_001407620.1 and 17 more transcripts); c.4638_4657del20, p.Glu1547Alafs (NM_001407627.1, NM_001407628.1, NM_001407629.1 and 14 more transcripts); c.4635_4654del20, p.Glu1546Alafs (NM_001407644.1, NM_001407645.1); c.4632_4651del20, p.Glu1545Alafs (NM_001407646.1); c.4629_4648del20, p.Glu1544Alafs (NM_001407647.1); c.4587_4606del20, p.Glu1530Alafs (NM_001407648.1); c.4584_4603del20, p.Glu1529Alafs (NM_001407649.1); and 72 more; short protein forms E445fs, E1570fs, E1502fs, E1549fs.
Identifiers: ClinVar variation 55250 (VCV000055250.3), dbSNP rs397509186, ClinGen allele CA002945.

ClinVar aggregate classification (germline): Pathogenic (3 of 4 stars; one submission).

Conditions:
Breast-ovarian cancer, familial, susceptibility to, 1 (BROVCA1). Also called: BRCA1 Hereditary Breast and Ovarian Cancer; OVARIAN CANCER, SUSCEPTIBILITY TO. Identifiers: Orphanet 145, MedGen C2676676, MONDO:0011450, OMIM 604370. Disease mechanism: loss of function.

Submission:

Evidence-based Network for the Interpretation of Germline Mutant Alleles (ENIGMA)
Classification: Pathogenic for Breast-ovarian cancer, familial, susceptibility to, 1. Last evaluated: 2017-12-15. Review status: reviewed by expert panel. Criteria: ENIGMA BRCA1/2 Classification Criteria (2017-06-29). Collection method: curation. Allele origin: germline. Study: ENIGMA.
Comment: Variant allele predicted to encode a truncated non-functional protein.